The following is an entry in ClinVar:

NM_000459.5(TEK):c.3201-4G>A

Gene: TEK (TEK receptor tyrosine kinase; plus strand). Cytogenetic location: 9p21.2.
Variant type: single nucleotide variant.
Coding change: c.3201-4G>A on transcript NM_000459.5 (MANE Select); 4 bases into the intron before coding-DNA position 3201, G replaced by A.
Molecular consequence: intron variant.
Genome position (GRCh38, 1-based): chr9:27,228,202, G>A. VCF-style: chr9-27228202-G-A. GRCh37 (hg19) VCF-style: chr9-27228200-G-A.
Other names: p.?; c.3072-4G>A (NM_001290077.2); c.2757-4G>A (NM_001290078.2); c.3198-4G>A (NM_001375475.1); c.3069-4G>A (NM_001375476.1).
Identifiers: ClinVar variation 366454 (VCV000366454.16), dbSNP rs138855043, ClinGen allele CA5016794.

ClinVar aggregate classification (germline): Benign/Likely benign. Review status: criteria provided, multiple submitters, no conflicts (2 of 4 stars). 4 submissions from 4 submitters: Benign (3); Likely benign (1). Last evaluated 2025-12-24.

Conditions:
Multiple cutaneous and mucosal venous malformations (VMCM). Also called: TEK-Related Multiple Cutaneous and Mucosal Venous Malformations (VMCM). Identifiers: Orphanet 2451, MedGen C1838437, MONDO:0010842, OMIM 600195.

Allele frequency attached by ClinVar (database versions not stated): ExAC 0.00200; gnomAD 0.00602 and 0.00629; TOPMed 0.00618; ESP Exome Variant Server 0.00700; 1000 Genomes Project 0.00799; 1000 Genomes Project 30x 0.00828.
gnomAD v4.1: 1,837 of 1,611,162 alleles (0.11%); highest among the groups gnomAD compares: African/African-American, 2.1%; 22 homozygotes.

Submissions (4):

Labcorp Genetics (formerly Invitae), Labcorp
Classification: Benign. Last evaluated: 2025-12-24. Review status: criteria provided, single submitter. Criteria: Invitae Variant Classification Sherloc (09022015). Collection method: clinical testing. Allele origin: germline.

Mayo Clinic Laboratories, Mayo Clinic
Classification: Benign. Last evaluated: 2024-11-14. Review status: criteria provided, single submitter. Criteria: ACMG Guidelines, 2015. Collection method: clinical testing. Allele origin: germline. Observed: 5 variant alleles.
Comment: BS1, BS2, BP7

Blueprint Genetics
Classification: Likely benign. Last evaluated: 2024-11-13. Review status: criteria provided, single submitter. Criteria: ACMG Guidelines, 2015. Collection method: clinical testing. Allele origin: germline.

Illumina Laboratory Services, Illumina
Classification: Benign for Multiple cutaneous and mucosal venous malformations. Last evaluated: 2018-01-12. Review status: criteria provided, single submitter. Criteria: ICSL Variant Classification Criteria 13 December 2019. Collection method: clinical testing. Allele origin: germline.
Comment: This variant was observed in the ICSL laboratory as part of a predisposition screen in an ostensibly healthy population. It had not been previously curated by ICSL or reported in the Human Gene Mutation Database (HGMD: prior to June 1st, 2018), and was therefore a candidate for classification through an automated scoring system. Utilizing variant allele frequency, disease prevalence and penetrance estimates, and inheritance mode, an automated score was calculated to assess if this variant is too frequent to cause the disease. Based on the score and internal cut-off values, a variant classified as benign is not then subjected to further curation. The score for this variant resulted in a classification of benign for this disease.